The following is an entry in ClinVar:

ClinVar aggregate classification (germline): Uncertain significance (1 of 4 stars; one submission).

Conditions:
Hereditary cancer-predisposing syndrome. Also called: Neoplastic Syndromes, Hereditary; Tumor predisposition; Hereditary neoplastic syndrome; Hereditary Cancer Syndrome. Identifiers: Orphanet 140162, MedGen C0027672, MeSH D009386, MONDO:0015356.

Submission:

Ambry Genetics
Classification: Uncertain significance for Hereditary cancer-predisposing syndrome. Last evaluated: 2023-12-14. Review status: criteria provided, single submitter. Criteria: Ambry Variant Classification Scheme 2023. Collection method: clinical testing. Allele origin: germline.
Comment: The p.G313S variant (also known as c.937G>A), located in coding exon 4 of the PALB2 gene, results from a G to A substitution at nucleotide position 937. The glycine at codon 313 is replaced by serine, an amino acid with similar properties. This amino acid position is conserved. In addition, this alteration is predicted to be tolerated by in silico analysis. Since supporting evidence is limited at this time, the clinical significance of this alteration remains unclear.

NM_024675.4(PALB2):c.937G>A (p.Gly313Ser)

Gene: PALB2 (partner and localizer of BRCA2; minus strand). Cytogenetic location: 16p12.2.
Variant type: single nucleotide variant.
Coding change: c.937G>A on transcript NM_024675.4 (MANE Select); coding-DNA position 937, G replaced by A.
Protein change: p.Gly313Ser; replaces glycine 313 with serine.
Molecular consequence: missense variant. On other transcripts: intron variant (3).
Genome position (GRCh38, 1-based): chr16:23,635,609, C>T on the plus strand (G>A on the coding strand, the complement: PALB2 is on the minus strand). VCF-style: chr16-23635609-C-T. GRCh37 (hg19) VCF-style: chr16-23646930-C-T.
Other names: c.877G>A, p.Gly293Ser (NM_001407296.1); c.937G>A, p.Gly313Ser (NM_001407297.1, NM_001407298.1, NM_001407299.1 and 3 more transcripts); c.52G>A, p.Gly18Ser (NM_001407304.1, NM_001407305.1, NM_001407306.1 and 5 more transcripts); c.48+5501G>A (NM_001407314.1); c.-104-5140G>A (NM_001407313.1, NM_001407312.1); short protein forms G18S, G293S, G313S.
Identifiers: ClinVar variation 3228049 (VCV003228049.1), dbSNP rs2142430509, ClinGen allele CA395135197.